The following is an entry in ClinVar:

ClinVar aggregate classification (germline): Benign (1 of 4 stars; one submission).

Allele frequency attached by ClinVar (database versions not stated): 1000 Genomes Project 30x 0.08104; 1000 Genomes Project 0.08127; TOPMed 0.11367; gnomAD 0.11817; ESP Exome Variant Server 0.11856; ExAC 0.13285.
gnomAD v4.1: 228,218 of 1,598,006 alleles (14%); highest among the groups gnomAD compares: Non-Finnish European, 16%; 17,377 homozygotes.

Submission:

Unidad de Genómica Garrahan, Hospital de Pediatría Garrahan
Classification: Benign. Last evaluated: 2024-01-24. Review status: criteria provided, single submitter. Criteria: ACMG Guidelines, 2015. Collection method: clinical testing. Allele origin: germline. Affected: no. Observed: 25 variant alleles.
Comment: This variant is classified as Benign based on local population frequency. This variant was detected in 26% of patients studied by a panel of primary immunodeficiencies. Number of patients: 25. Only high quality variants are reported.

NM_014339.7(IL17RA):c.1088-45T>G

Gene: IL17RA (interleukin 17 receptor A; plus strand). Cytogenetic location: 22q11.1.
Variant type: single nucleotide variant.
Coding change: c.1088-45T>G on transcript NM_014339.7 (MANE Select); 45 bases into the intron before coding-DNA position 1088, T replaced by G.
Molecular consequence: intron variant.
Genome position (GRCh38, 1-based): chr22:17,108,262, T>G. VCF-style: chr22-17108262-T-G. GRCh37 (hg19) VCF-style: chr22-17589152-T-G.
Other names: c.986-45T>G (NM_001289905.2).
Identifiers: ClinVar variation 2688286 (VCV002688286.2), dbSNP rs41372049, ClinGen allele CA10086667.